The following is an entry in ClinVar:

NM_138420.4(AHNAK2):c.5932G>A (p.Asp1978Asn)

Gene: AHNAK2 (AHNAK nucleoprotein 2; minus strand). Cytogenetic location: 14q32.33.
Variant type: single nucleotide variant.
Coding change: c.5932G>A on transcript NM_138420.4 (MANE Select); coding-DNA position 5932, G replaced by A.
Protein change: p.Asp1978Asn; replaces aspartic acid 1978 with asparagine.
Molecular consequence: missense variant.
Genome position (GRCh38, 1-based): chr14:104,949,519, C>T on the plus strand (G>A on the coding strand, the complement: AHNAK2 is on the minus strand). VCF-style: chr14-104949519-C-T. GRCh37 (hg19) VCF-style: chr14-105415856-C-T.
Other names: c.5632G>A, p.Asp1878Asn (NM_001350929.2); c.5932G>A (NM_138420.2); short protein forms D1878N, D1978N.
Identifiers: ClinVar variation 2644770 (VCV002644770.25), dbSNP rs202120144, ClinGen allele CA7381435.

ClinVar aggregate classification (germline): Conflicting classifications of pathogenicity. Review status: criteria provided, conflicting classifications (1 of 4 stars). 2 submissions from 2 submitters: Uncertain significance (1); Likely benign (1). Last evaluated 2025-12-09.

Allele frequency attached by ClinVar (database versions not stated): ESP Exome Variant Server 0.00008.

Submissions (2):

Ambry Genetics
Classification: Uncertain significance. Last evaluated: 2025-12-09. Review status: criteria provided, single submitter. Criteria: Ambry Variant Classification Scheme 2023. Collection method: clinical testing. Allele origin: germline.

CeGaT Center for Human Genetics Tuebingen
Classification: Likely benign. Last evaluated: 2023-03-01. Review status: criteria provided, single submitter. Criteria: CeGaT Center For Human Genetics Tuebingen Variant Classification Criteria Version 2. Collection method: clinical testing. Allele origin: germline. Affected: yes. Observed: 1 variant allele.
Comment: AHNAK2: BP4